The following is an entry in ClinVar:

NM_177438.3(DICER1):c.2116+3A>G

Gene: DICER1 (dicer 1, ribonuclease III; minus strand). Cytogenetic location: 14q32.13.
Variant type: single nucleotide variant.
Coding change: c.2116+3A>G on transcript NM_177438.3 (MANE Select); 3 bases into the intron after coding-DNA position 2116, A replaced by G.
Molecular consequence: intron variant.
Genome position (GRCh38, 1-based): chr14:95,112,169, T>C on the plus strand (A>G on the coding strand, the complement: DICER1 is on the minus strand). VCF-style: chr14-95112169-T-C. GRCh37 (hg19) VCF-style: chr14-95578506-T-C.
Other names: c.2116+3A>G (NM_001291628.2, NM_030621.4, NM_001271282.3 and 1 more transcripts).
Identifiers: ClinVar variation 1508935 (VCV001508935.7), dbSNP rs2140076980, ClinGen allele CA2573150491.
Genomic context (GRCh38, chr14:95,112,169, plus strand): 5'-TGCTTTTTTTTTACAATGGTTGCAATTTATTTTCATTCGTATATGCTTTTCAAACATCCT[T>C]ACCAATTTTGTGCAGTTTCTCACAGCAAATGAGAGCTACAACTCTTTCAGCCAATCGTAC-3'

ClinVar aggregate classification (germline): Uncertain significance (1 of 4 stars; one submission).

Conditions:
DICER1-related tumor predisposition. Also called: DICER1 syndrome; DICER1-related pleuropulmonary blastoma cancer predisposition syndrome. Identifiers: Orphanet 284343, MedGen C3839822, MONDO:0100216.

Allele frequency attached by ClinVar (database versions not stated): gnomAD exomes below 0.00001.
gnomAD v4.1: 1 of 1,613,280 alleles (0.000062%); highest among the groups gnomAD compares: Non-Finnish European, 0.000085%; no homozygotes.

Submission:

Labcorp Genetics (formerly Invitae), Labcorp
Classification: Uncertain significance for DICER1-related tumor predisposition. Last evaluated: 2021-02-12. Review status: criteria provided, single submitter. Criteria: Invitae Variant Classification Sherloc (09022015). Collection method: clinical testing. Allele origin: germline.
Comment: This variant is not present in population databases (ExAC no frequency). This variant has not been reported in the literature in individuals with DICER1-related conditions. Nucleotide substitutions within the consensus splice site are a relatively common cause of aberrant splicing (PMID: 17576681, 9536098). Algorithms developed to predict the effect of sequence changes on RNA splicing suggest that this variant may disrupt the consensus splice site, but this prediction has not been confirmed by published transcriptional studies. In summary, the available evidence is currently insufficient to determine the role of this variant in disease. Therefore, it has been classified as a Variant of Uncertain Significance. This sequence change falls in intron 13 of the DICER1 gene. It does not directly change the encoded amino acid sequence of the DICER1 protein. It affects a nucleotide within the consensus splice site of the intron.

Literature cited by the submitters: PubMed 17576681; PubMed 9536098.